The following is an entry in ClinVar:

ClinVar aggregate classification (germline): Benign. Review status: criteria provided, single submitter (1 of 4 stars). 2 submissions from 2 submitters: Benign (1). 1 of the submissions does not count toward it. Last evaluated 2026-01-14.

Conditions:
TNFRSF6B-related disorder. Also called: TNFRSF6B-related condition.

Allele frequency attached by ClinVar (database versions not stated): gnomAD 0.00074 and 0.00076; TOPMed 0.00077; ESP Exome Variant Server 0.00023; 1000 Genomes Project 0.00040; 1000 Genomes Project 30x 0.00047; ExAC 0.00064; gnomAD exomes 0.00069.

Submissions (2):

Labcorp Genetics (formerly Invitae), Labcorp
Classification: Benign. Last evaluated: 2026-01-14. Review status: criteria provided, single submitter. Criteria: Invitae Variant Classification Sherloc (09022015). Collection method: clinical testing. Allele origin: germline.

PreventionGenetics, part of Exact Sciences
Classification: Likely benign for TNFRSF6B-related condition. Last evaluated: 2024-02-01. Review status: no assertion criteria provided. Collection method: clinical testing. Allele origin: germline. Not counted in ClinVar's aggregate classification.
Comment: This variant is classified as likely benign based on ACMG/AMP sequence variant interpretation guidelines (Richards et al. 2015 PMID: 25741868, with internal and published modifications).

NM_003823.4(TNFRSF6B):c.252C>T (p.Tyr84=)

Genes: RTEL1-TNFRSF6B (RTEL1-TNFRSF6B readthrough (NMD candidate); plus strand), TNFRSF6B (TNF receptor superfamily member 6b; plus strand). Cytogenetic location: 20q13.33.
Variant type: single nucleotide variant.
Coding change: c.252C>T on transcript NM_003823.4 (MANE Select); coding-DNA position 252, C replaced by T.
Protein change: p.Tyr84=; no amino-acid change (tyrosine 84 retained).
Molecular consequence: synonymous variant. On other transcripts: non-coding transcript variant (1).
Genome position (GRCh38, 1-based): chr20:63,697,019, C>T. VCF-style: chr20-63697019-C-T. GRCh37 (hg19) VCF-style: chr20-62328372-C-T.
Other names: c.252C>T (NM_003823.3).
Identifiers: ClinVar variation 1169631 (VCV001169631.11), dbSNP rs142858927, ClinGen allele CA9966381.